The following is an entry in ClinVar:

ClinVar aggregate classification (germline): Uncertain significance (1 of 4 stars; one submission).

Allele frequency attached by ClinVar (database versions not stated): gnomAD exomes below 0.00001; gnomAD 0.00001.

Submission:

Labcorp Genetics (formerly Invitae), Labcorp
Classification: Uncertain significance. Last evaluated: 2021-11-19. Review status: criteria provided, single submitter. Criteria: Invitae Variant Classification Sherloc (09022015). Collection method: clinical testing. Allele origin: germline.
Comment: This variant has not been reported in the literature in individuals affected with ADGRA3-related conditions. This sequence change replaces serine, which is neutral and polar, with cysteine, which is neutral and slightly polar, at codon 303 of the ADGRA3 protein (p.Ser303Cys). This variant is present in population databases (no rsID available, gnomAD 0.0009%). Algorithms developed to predict the effect of missense changes on protein structure and function are either unavailable or do not agree on the potential impact of this missense change (SIFT: "Deleterious"; PolyPhen-2: "Probably Damaging"; Align-GVGD: "Class C0"). In summary, the available evidence is currently insufficient to determine the role of this variant in disease. Therefore, it has been classified as a Variant of Uncertain Significance.

NM_145290.4(ADGRA3):c.908C>G (p.Ser303Cys)

Gene: ADGRA3 (adhesion G protein-coupled receptor A3; minus strand). Cytogenetic location: 4p15.2.
Variant type: single nucleotide variant.
Coding change: c.908C>G on transcript NM_145290.4 (MANE Select); coding-DNA position 908, C replaced by G.
Protein change: p.Ser303Cys; replaces serine 303 with cysteine.
Molecular consequence: missense variant.
Genome position (GRCh38, 1-based): chr4:22,442,662, G>C on the plus strand (C>G on the coding strand, the complement: ADGRA3 is on the minus strand). VCF-style: chr4-22442662-G-C. GRCh37 (hg19) VCF-style: chr4-22444285-G-C.
Other names: short protein forms S303C.
Identifiers: ClinVar variation 1398111 (VCV001398111.6), dbSNP rs1236595571, ClinGen allele CA356477072.